The following is an entry in ClinVar:

ClinVar aggregate classification (germline): Uncertain significance (1 of 4 stars; one submission).

Conditions:
Hereditary sensory and autonomic neuropathy type 1 (HSAN1). Also called: HSAN 1; HSN Type I; Hereditary Sensory Neuropathy Type I. Identifiers: Orphanet 36386, MedGen C0020071, MONDO:0018213.

Submission:

Labcorp Genetics (formerly Invitae), Labcorp
Classification: Uncertain significance for Hereditary sensory and autonomic neuropathy type 1. Last evaluated: 2021-06-28. Review status: criteria provided, single submitter. Criteria: Invitae Variant Classification Sherloc (09022015). Collection method: clinical testing. Allele origin: germline.
Comment: This sequence change affects an acceptor splice site in intron 10 of the SPTLC1 gene. It is expected to disrupt RNA splicing. Variants that disrupt the donor or acceptor splice site typically lead to a loss of protein function (PMID: 16199547), however the current clinical and genetic evidence is not sufficient to establish whether loss-of-function variants in SPTLC1 cause disease. This variant is not present in population databases (ExAC no frequency). This variant has not been reported in the literature in individuals affected with SPTLC1-related conditions. Algorithms developed to predict the effect of sequence changes on RNA splicing suggest that this variant may disrupt the consensus splice site. In summary, the available evidence is currently insufficient to determine the role of this variant in disease. Therefore, it has been classified as a Variant of Uncertain Significance.

Literature cited by the submitters: PubMed 16199547.

NM_006415.4(SPTLC1):c.985-2A>C

Gene: SPTLC1 (serine palmitoyltransferase long chain base subunit 1; minus strand). Cytogenetic location: 9q22.31.
Variant type: single nucleotide variant.
Coding change: c.985-2A>C on transcript NM_006415.4 (MANE Select); the canonical splice acceptor site of the intron before coding-DNA position 985, A replaced by C.
Molecular consequence: splice acceptor variant.
Genome position (GRCh38, 1-based): chr9:92,047,270, T>G on the plus strand (A>C on the coding strand, the complement: SPTLC1 is on the minus strand). VCF-style: chr9-92047270-T-G. GRCh37 (hg19) VCF-style: chr9-94809552-T-G.
Other names: c.985-2A>C (NM_001281303.2); c.619-2A>C (NM_001368272.1); c.520-2A>C (NM_001368273.1).
Identifiers: ClinVar variation 1516228 (VCV001516228.6), dbSNP rs2118448499, ClinGen allele CA373792617.
Genomic context (GRCh38, chr9:92,047,270, plus strand): 5'-GCAGCAGCTAACAGGGGAGGTAACGAAGCTGAAAAGCAGTATCCCTGGCCGGAAAGTCGC[T>G]GAGAAGAAACAAATGAAGACATATACACATTCTCTGTCCTTTCTAGGTAAACATTTGAAA-3'